The following is an entry in ClinVar:

NM_005419.4(STAT2):c.679C>G (p.Leu227Val)

Gene: STAT2 (signal transducer and activator of transcription 2; minus strand). Cytogenetic location: 12q13.3.
Variant type: single nucleotide variant.
Coding change: c.679C>G on transcript NM_005419.4 (MANE Select); coding-DNA position 679, C replaced by G.
Protein change: p.Leu227Val; replaces leucine 227 with valine.
Molecular consequence: missense variant.
Genome position (GRCh38, 1-based): chr12:56,354,569, G>C on the plus strand (C>G on the coding strand, the complement: STAT2 is on the minus strand). VCF-style: chr12-56354569-G-C. GRCh37 (hg19) VCF-style: chr12-56748353-G-C.
Other names: c.667C>G, p.Leu223Val (NM_001385110.1, NM_001385115.1, NM_198332.2); c.679C>G, p.Leu227Val (NM_001385111.1, NM_001385113.1, NM_001385114.1); short protein forms L223V, L227V.
Identifiers: ClinVar variation 2121177 (VCV002121177.4), dbSNP rs2547265278, ClinGen allele CA385262747.

ClinVar aggregate classification (germline): Uncertain significance (1 of 4 stars; one submission).

Conditions:
Primary immunodeficiency with post-measles-mumps-rubella vaccine viral infection. Also called: Immunodeficiency 44. Identifiers: Orphanet 431166, MedGen C4225260, MONDO:0014715, OMIM 616636.

Submission:

Labcorp Genetics (formerly Invitae), Labcorp
Classification: Uncertain significance for Primary immunodeficiency with post-measles-mumps-rubella vaccine viral infection. Last evaluated: 2022-04-03. Review status: criteria provided, single submitter. Criteria: Invitae Variant Classification Sherloc (09022015). Collection method: clinical testing. Allele origin: germline.
Comment: Advanced modeling of protein sequence and biophysical properties (such as structural, functional, and spatial information, amino acid conservation, physicochemical variation, residue mobility, and thermodynamic stability) performed at Invitae indicates that this missense variant is expected to disrupt STAT2 protein function. This variant has not been reported in the literature in individuals affected with STAT2-related conditions. This variant is not present in population databases (gnomAD no frequency). This sequence change replaces leucine, which is neutral and non-polar, with valine, which is neutral and non-polar, at codon 227 of the STAT2 protein (p.Leu227Val). In summary, the available evidence is currently insufficient to determine the role of this variant in disease. Therefore, it has been classified as a Variant of Uncertain Significance.